The following is an entry in ClinVar:

ClinVar aggregate classification (germline): Likely benign. Review status: criteria provided, multiple submitters, no conflicts (2 of 4 stars). 4 submissions from 4 submitters: Likely benign (4). Last evaluated 2026-06-01.

Conditions:
Skeletal overgrowth-craniofacial dysmorphism-hyperelastic skin-white matter lesions syndrome. Also called: SKELETAL OVERGROWTH WITH FACIAL DYSMORPHISM, HYPERELASTIC SKIN, WHITE MATTER LESIONS, AND NEUROLOGIC DETERIORATION; Kosaki overgrowth syndrome. Identifiers: Orphanet 477831, MedGen C4225270, MONDO:0014704, OMIM 616592.
Acroosteolysis-keloid-like lesions-premature aging syndrome. Also called: Premature aging syndrome, Penttinen type; Prematurely aged appearance, delayed bone maturation, acro-osteolysis, and brachydactyly; Progeroid syndrome, Penttinen type. Identifiers: Orphanet 363665, MedGen C1866182, MONDO:0011150, OMIM 601812.
Infantile myofibromatosis (IMF). Also called: Congenital generalized fibromatosis. Identifiers: Orphanet 2591, MedGen C0432284, MONDO:0016824.
Basal ganglia calcification, idiopathic, 4 (PFBC4). Also called: PRIMARY FAMILIAL BRAIN CALCIFICATION 4, AUTOSOMAL DOMINANT; Familial Idiopathic Basal Ganglia Calcification 4. Identifiers: Orphanet 1980, MedGen C3554321, MONDO:0014004, OMIM 615007.

Allele frequency attached by ClinVar (database versions not stated): 1000 Genomes Project 0.00060; TOPMed 0.00083; ESP Exome Variant Server 0.00092; 1000 Genomes Project 30x 0.00062; gnomAD 0.00069 and 0.00078; gnomAD exomes 0.00113.
gnomAD v4.1: 1,776 of 1,614,094 alleles (0.11%); highest among the groups gnomAD compares: South Asian, 0.34%; 13 homozygotes.

Submissions (4):

CeGaT Center for Human Genetics Tuebingen
Classification: Likely benign. Last evaluated: 2026-06-01. Review status: criteria provided, single submitter. Criteria: CeGaT Center For Human Genetics Tuebingen Variant Classification Criteria Version 2. Collection method: clinical testing. Allele origin: germline. Affected: yes. Observed: 3 variant alleles.
Comment: PDGFRB: BP4, BS1

Labcorp Genetics (formerly Invitae), Labcorp
Classification: Likely benign for Basal ganglia calcification, idiopathic, 4; Skeletal overgrowth-craniofacial dysmorphism-hyperelastic skin-white matter lesions syndrome; Infantile myofibromatosis; Acroosteolysis-keloid-like lesions-premature aging syndrome. Last evaluated: 2026-01-12. Review status: criteria provided, single submitter. Criteria: Invitae Variant Classification Sherloc (09022015). Collection method: clinical testing. Allele origin: germline.

Blueprint Genetics
Classification: Likely benign. Last evaluated: 2024-10-16. Review status: criteria provided, single submitter. Criteria: ACMG Guidelines, 2015. Collection method: clinical testing. Allele origin: germline.

Breakthrough Genomics
Classification: Likely benign. Review status: criteria provided, single submitter. Criteria: ACMG Guidelines, 2015. Collection method: not provided. Allele origin: germline. Inheritance: Autosomal dominant inheritance. Affected: yes.

NM_002609.4(PDGFRB):c.1504C>T (p.Arg502Trp)

Gene: PDGFRB (platelet derived growth factor receptor beta; minus strand). Cytogenetic location: 5q32.
Variant type: single nucleotide variant.
Coding change: c.1504C>T on transcript NM_002609.4 (MANE Select); coding-DNA position 1504, C replaced by T.
Protein change: p.Arg502Trp; replaces arginine 502 with tryptophan.
Molecular consequence: missense variant.
Genome position (GRCh38, 1-based): chr5:150,129,832, G>A on the plus strand (C>T on the coding strand, the complement: PDGFRB is on the minus strand). VCF-style: chr5-150129832-G-A. GRCh37 (hg19) VCF-style: chr5-149509395-G-A.
Other names: c.1312C>T, p.Arg438Trp (NM_001355016.2); c.1021C>T, p.Arg341Trp (NM_001355017.2); short protein forms R502W, R341W, R438W.
Identifiers: ClinVar variation 707454 (VCV000707454.26), dbSNP rs142992960, ClinGen allele CA3507962.